The following is an entry in ClinVar:

ClinVar aggregate classification (germline): Uncertain significance. Review status: criteria provided, multiple submitters, no conflicts (2 of 4 stars). 2 submissions from 2 submitters: Uncertain significance (2). Last evaluated 2026-06-23.

Conditions:
FGFR3-related chondrodysplasia. Identifiers: Orphanet 93420, MedGen C5681604, MONDO:0019685.

Allele frequency attached by ClinVar (database versions not stated): gnomAD 0.00001; gnomAD exomes 0.00001; TOPMed 0.00002; ExAC 0.00001.
gnomAD v4.1: 9 of 1,612,284 alleles (0.00056%); highest among the groups gnomAD compares: Admixed American, 0.0017%; no homozygotes.

Submissions (2):

Genomenon, Inc
Classification: Uncertain significance for FGFR3-related chondrodysplasia. Last evaluated: 2026-06-23. Review status: criteria provided, single submitter. Criteria: Genomenon Sequence Variant Interpretation Standards - Updated. Collection method: curation. Allele origin: germline. Affected: no.
Comment: FGFR3 p.Ile492Val (c.1474A>G) is a missense variant that changes the amino acid at codon 492 from Isoleucine to Valine. This variant has been reported in the published literature (PMID:33337535). It is absent or not present at a significant frequency in gnomAD. In silico models predict that this variant is not damaging. In conclusion, we classify FGFR3 p.Ile492Val (c.1474A>G) as a variant of uncertain significance.

GeneDx
Classification: Uncertain significance. Last evaluated: 2022-03-09. Review status: criteria provided, single submitter. Criteria: GeneDx Variant Classification Process June 2021. Collection method: clinical testing. Allele origin: germline. Affected: yes.
Comment: Reported in an individual with a type 1 Chiari malformation and observed in their parent with a type 1 Chiari malformation (Provenzano et al., 2021); Not observed at significant frequency in large population cohorts (gnomAD); In silico analysis supports that this missense variant does not alter protein structure/function; This variant is associated with the following publications: (PMID: 33337535)

Literature cited by the submitters: PubMed 33337535 (cited by Genomenon, Inc).

NM_000142.5(FGFR3):c.1474A>G (p.Ile492Val)

Gene: FGFR3 (fibroblast growth factor receptor 3; plus strand). Cytogenetic location: 4p16.3.
Variant type: single nucleotide variant.
Coding change: c.1474A>G on transcript NM_000142.5 (MANE Select); coding-DNA position 1474, A replaced by G.
Protein change: p.Ile492Val; replaces isoleucine 492 with valine.
Molecular consequence: missense variant. On other transcripts: non-coding transcript variant (1).
Genome position (GRCh38, 1-based): chr4:1,805,416, A>G. VCF-style: chr4-1805416-A-G. GRCh37 (hg19) VCF-style: chr4-1807143-A-G.
Other names: c.1480A>G, p.Ile494Val (NM_001163213.2); c.1477A>G, p.Ile493Val (NM_001354809.2, NM_001354810.2); c.1138A>G, p.Ile380Val (NM_022965.4); short protein forms I380V, I492V, I493V, I494V.
Identifiers: ClinVar variation 1704886 (VCV001704886.3), dbSNP rs745385417, ClinGen allele CA2810408.